The following is an entry in ClinVar:

NM_003072.5(SMARCA4):c.1943+3G>C

Gene: SMARCA4 (SWI/SNF related BAF chromatin remodeling complex subunit ATPase 4; plus strand). Cytogenetic location: 19p13.2.
Variant type: single nucleotide variant.
Coding change: c.1943+3G>C on transcript NM_003072.5 (MANE Select); 3 bases into the intron after coding-DNA position 1943, G replaced by C.
Molecular consequence: intron variant.
Genome position (GRCh38, 1-based): chr19:11,003,162, G>C. VCF-style: chr19-11003162-G-C. GRCh37 (hg19) VCF-style: chr19-11113838-G-C.
Other names: c.1943+3G>C (NM_001128844.3, NM_001128849.3, NM_001128847.4 and 4 more transcripts).
Identifiers: ClinVar variation 820390 (VCV000820390.11), dbSNP rs1600133534, ClinGen allele CA915951664.

ClinVar aggregate classification (germline): Uncertain significance. Review status: criteria provided, multiple submitters, no conflicts (2 of 4 stars). 2 submissions from 2 submitters: Uncertain significance (2). Last evaluated 2026-02-17.

Conditions:
Hereditary cancer-predisposing syndrome. Also called: Tumor predisposition; Neoplastic Syndromes, Hereditary; Hereditary Cancer Syndrome; Hereditary neoplastic syndrome. Identifiers: Orphanet 140162, MedGen C0027672, MeSH D009386, MONDO:0015356.
Rhabdoid tumor predisposition syndrome 2 (RTPS2). Identifiers: Orphanet 231108, Orphanet 69077, MedGen C2750074, MONDO:0013224, OMIM 613325.

gnomAD v4.1: 1 of 1,614,142 alleles (0.000062%); no homozygotes.

Submissions (2):

Ambry Genetics
Classification: Uncertain significance for Hereditary cancer-predisposing syndrome. Last evaluated: 2026-02-17. Review status: criteria provided, single submitter. Criteria: Ambry Variant Classification Scheme 2023. Collection method: clinical testing. Allele origin: germline.
Comment: The c.1943+3G>C intronic variant results from a G to C substitution 3 nucleotides after coding exon 11 in the SMARCA4 gene. This nucleotide position is not well conserved in available vertebrate species. In silico splice site analysis for this alteration is inconclusive. Based on the available evidence, the clinical significance of this variant remains unclear.

Labcorp Genetics (formerly Invitae), Labcorp
Classification: Uncertain significance for Rhabdoid tumor predisposition syndrome 2. Last evaluated: 2023-04-22. Review status: criteria provided, single submitter. Criteria: Invitae Variant Classification Sherloc (09022015). Collection method: clinical testing. Allele origin: germline.
Comment: This sequence change falls in intron 12 of the SMARCA4 gene. It does not directly change the encoded amino acid sequence of the SMARCA4 protein. It affects a nucleotide within the consensus splice site. This variant is not present in population databases (gnomAD no frequency). This variant has not been reported in the literature in individuals affected with SMARCA4-related conditions. ClinVar contains an entry for this variant (Variation ID: 820390). Variants that disrupt the consensus splice site are a relatively common cause of aberrant splicing (PMID: 17576681, 9536098). Studies have shown that this variant is associated with altered splicing resulting in unknown protein product impact (Invitae). In summary, the available evidence is currently insufficient to determine the role of this variant in disease. Therefore, it has been classified as a Variant of Uncertain Significance.

Literature cited by the submitters: PubMed 17576681 (cited by Labcorp Genetics (formerly Invitae), Labcorp); PubMed 9536098 (cited by Labcorp Genetics (formerly Invitae), Labcorp).